The following is an entry in ClinVar:

ClinVar aggregate classification (germline): Uncertain significance (1 of 4 stars; one submission).

Conditions:
Glycogen storage disease IXb (GSD9B). Also called: PHOSPHORYLASE KINASE DEFICIENCY OF LIVER AND MUSCLE, AUTOSOMAL RECESSIVE; GLYCOGENOSIS OF LIVER AND MUSCLE, AUTOSOMAL RECESSIVE; GSD IXb. Identifiers: Orphanet 79240, MedGen C0543514, MONDO:0009868, OMIM 261750.

Allele frequency attached by ClinVar (database versions not stated): ExAC 0.00002; TOPMed 0.00002; gnomAD 0.00004; 1000 Genomes Project 0.00040; 1000 Genomes Project 30x 0.00047.
gnomAD v4.1: 9 of 1,571,204 alleles (0.00057%); highest among the groups gnomAD compares: African/African-American, 0.011%; no homozygotes.

Submission:

Labcorp Genetics (formerly Invitae), Labcorp
Classification: Uncertain significance for Glycogen storage disease IXb. Last evaluated: 2022-07-25. Review status: criteria provided, single submitter. Criteria: Invitae Variant Classification Sherloc (09022015). Collection method: clinical testing. Allele origin: germline.
Comment: This sequence change replaces isoleucine, which is neutral and non-polar, with threonine, which is neutral and polar, at codon 1045 of the PHKB protein (p.Ile1045Thr). This variant is present in population databases (rs200896827, gnomAD 0.01%). This variant has not been reported in the literature in individuals affected with PHKB-related conditions. Algorithms developed to predict the effect of missense changes on protein structure and function output the following: SIFT: "Tolerated"; PolyPhen-2: "Benign"; Align-GVGD: "Class C0". The threonine amino acid residue is found in multiple mammalian species, which suggests that this missense change does not adversely affect protein function. In summary, the available evidence is currently insufficient to determine the role of this variant in disease. Therefore, it has been classified as a Variant of Uncertain Significance.

NM_000293.3(PHKB):c.3134T>C (p.Ile1045Thr)

Gene: PHKB (phosphorylase kinase regulatory subunit beta; plus strand). Cytogenetic location: 16q12.1.
Variant type: single nucleotide variant.
Coding change: c.3134T>C on transcript NM_000293.3 (MANE Select); coding-DNA position 3134, T replaced by C.
Protein change: p.Ile1045Thr; replaces isoleucine 1045 with threonine.
Molecular consequence: missense variant.
Genome position (GRCh38, 1-based): chr16:47,698,578, T>C. VCF-style: chr16-47698578-T-C. GRCh37 (hg19) VCF-style: chr16-47732489-T-C.
Other names: c.3113T>C, p.Ile1038Thr (NM_001031835.3); c.3134T>C, p.Ile1045Thr (NM_001363837.1); short protein forms I1045T, I1038T.
Identifiers: ClinVar variation 1983289 (VCV001983289.1), dbSNP rs200896827, ClinGen allele CA8041439.